The following is an entry in ClinVar:

ClinVar aggregate classification (germline): Likely benign. Review status: criteria provided, multiple submitters, no conflicts (2 of 4 stars). 2 submissions from 2 submitters: Likely benign (2). Last evaluated 2026-01-15.

Conditions:
Mucopolysaccharidosis type 1. Also called: IDUA deficiency; MPS I; Mucopolysaccharidosis Type I. Identifiers: Orphanet 579, MedGen C0023786, MONDO:0001586.

Allele frequency attached by ClinVar (database versions not stated): gnomAD 0.00001.
gnomAD v4.1: 2 of 1,600,350 alleles (0.00012%); highest among the groups gnomAD compares: East Asian, 0.0022%; no homozygotes.

Submissions (2):

Labcorp Genetics (formerly Invitae), Labcorp
Classification: Likely benign for Mucopolysaccharidosis type 1. Last evaluated: 2026-01-15. Review status: criteria provided, single submitter. Criteria: Invitae Variant Classification Sherloc (09022015). Collection method: clinical testing. Allele origin: germline.

CeGaT Center for Human Genetics Tuebingen
Classification: Likely benign. Last evaluated: 2025-10-01. Review status: criteria provided, single submitter. Criteria: CeGaT Center For Human Genetics Tuebingen Variant Classification Criteria Version 2. Collection method: clinical testing. Allele origin: germline. Affected: yes. Observed: 1 variant allele.
Comment: IDUA: BP4, BP7

NM_000203.5(IDUA):c.609T>C (p.Asp203=)

Gene: IDUA (alpha-L-iduronidase; plus strand). Cytogenetic location: 4p16.3.
Variant type: single nucleotide variant.
Coding change: c.609T>C on transcript NM_000203.5 (MANE Select); coding-DNA position 609, T replaced by C.
Protein change: p.Asp203=; no amino-acid change (aspartic acid 203 retained).
Molecular consequence: synonymous variant. On other transcripts: non-coding transcript variant (1).
Genome position (GRCh38, 1-based): chr4:1,001,698, T>C. VCF-style: chr4-1001698-T-C. GRCh37 (hg19) VCF-style: chr4-995486-T-C.
Other names: c.213T>C, p.Asp71= (NM_001363576.1).
Identifiers: ClinVar variation 746142 (VCV000746142.12), dbSNP rs1577539347, ClinGen allele CA438057198.
Genomic context (GRCh38, chr4:1,001,698, plus strand): 5'-ATCCCCAGGGCAGGTGTAGACGCAGTGCTCCCCCGGCCCAGGCTTCCTGAACTACTACGA[T>C]GCCTGCTCGGAGGGTCTGCGCGCCGCCAGCCCCGCCCTGCGGCTGGGAGGCCCCGGCGAC-3'
Protein context (NP_000194.2, residues 193-213): MTMQGFLNYY[Asp203=]ACSEGLRAAS